The following is an entry in ClinVar:

NM_001001557.4(GDF6):c.946C>A (p.Pro316Thr)

Gene: GDF6 (growth differentiation factor 6; minus strand). Cytogenetic location: 8q22.1.
Variant type: single nucleotide variant.
Coding change: c.946C>A on transcript NM_001001557.4 (MANE Select); coding-DNA position 946, C replaced by A.
Protein change: p.Pro316Thr; replaces proline 316 with threonine.
Molecular consequence: missense variant.
Genome position (GRCh38, 1-based): chr8:96,144,985, G>T on the plus strand (C>A on the coding strand, the complement: GDF6 is on the minus strand). VCF-style: chr8-96144985-G-T. GRCh37 (hg19) VCF-style: chr8-97157213-G-T.
Other names: short protein forms P316T.
Identifiers: ClinVar variation 2167387 (VCV002167387.5), dbSNP rs556335226, ClinGen allele CA4815387.

ClinVar aggregate classification (germline): Uncertain significance. Review status: criteria provided, multiple submitters, no conflicts (2 of 4 stars). 2 submissions from 2 submitters: Uncertain significance (2). Last evaluated 2026-01-06.

Conditions:
Klippel-Feil syndrome 1, autosomal dominant (KFS1). Also called: CERVICAL VERTEBRAL FUSION, AUTOSOMAL DOMINANT. Identifiers: Orphanet 2345, MedGen C1861689, MONDO:0007306, OMIM 118100.
Isolated microphthalmia 4. Identifiers: Orphanet 2542, MedGen C2751307, MONDO:0013130, OMIM 613094.
Leber congenital amaurosis 17 (LCA17). Identifiers: Orphanet 65, MedGen C3715164, MONDO:0014145, OMIM 615360.
Microphthalmia, isolated, with coloboma 6 (MCOPCB6). Also called: MICROPHTHALMIA/COLOBOMA 6; Microphthalmia with coloboma 6, digenic; Microphthalmia with coloboma 6. Identifiers: Orphanet 98938, MedGen C3150968, MONDO:0013376, OMIM 613703.

Allele frequency attached by ClinVar (database versions not stated): gnomAD 0.00003; 1000 Genomes Project 30x 0.00016; TOPMed 0.00001; 1000 Genomes Project 0.00020.
gnomAD v4.1: 7 of 1,356,136 alleles (0.00052%); highest among the groups gnomAD compares: East Asian, 0.019%; no homozygotes.

Submissions (2):

Labcorp Genetics (formerly Invitae), Labcorp
Classification: Uncertain significance for Isolated microphthalmia 4; Leber congenital amaurosis 17; Klippel-Feil syndrome 1, autosomal dominant; Microphthalmia, isolated, with coloboma 6. Last evaluated: 2026-01-06. Review status: criteria provided, single submitter. Criteria: Invitae Variant Classification Sherloc (09022015). Collection method: clinical testing. Allele origin: germline.
Comment: This sequence change replaces proline, which is neutral and non-polar, with threonine, which is neutral and polar, at codon 316 of the GDF6 protein (p.Pro316Thr). This variant is present in population databases (rs556335226, gnomAD 0.05%). This variant has not been reported in the literature in individuals affected with GDF6-related conditions. ClinVar contains an entry for this variant (Variation ID: 2167387). An algorithm developed to predict the effect of missense changes on protein structure and function (PolyPhen-2) suggests that this variant is likely to be tolerated. In summary, the available evidence is currently insufficient to determine the role of this variant in disease. Therefore, it has been classified as a Variant of Uncertain Significance.

Women's Health and Genetics/Laboratory Corporation of America, LabCorp
Classification: Uncertain significance. Last evaluated: 2025-12-15. Review status: criteria provided, single submitter. Criteria: LabCorp Variant Classification Summary - May 2015. Collection method: clinical testing. Allele origin: germline.
Comment: Variant summary: GDF6 c.946C>A (p.Pro316Thr) results in a non-conservative amino acid change in the encoded protein sequence. Algorithms developed to predict the effect of missense changes on protein structure and function are either unavailable or do not agree on the potential impact of this missense change. The variant allele was found at a frequency of 5.2e-06 in 1351284 control chromosomes (gnomAD v4.1). The available data on variant occurrences in the general population are insufficient to allow any conclusion about variant significance. To our knowledge, no occurrence of c.946C>A in individuals affected with GDF6-related conditions and no experimental evidence demonstrating its impact on protein function have been reported. ClinVar contains an entry for this variant (Variation ID: 2167387). Based on the evidence outlined above, the variant was classified as uncertain significance.